The following is an entry in ClinVar:

ClinVar aggregate classification (germline): Pathogenic (1 of 4 stars; one submission).

Conditions:
Developmental delay with or without intellectual impairment or behavioral abnormalities. Identifiers: MedGen C5562004, MONDO:0859199, OMIM 619575.

Submission:

Victorian Clinical Genetics Services, Murdoch Childrens Research Institute
Classification: Pathogenic for Developmental delay with or without intellectual impairment or behavioral abnormalities. Last evaluated: 2026-05-26. Review status: criteria provided, single submitter. Criteria: ACMG Guidelines, 2015. Collection method: clinical testing. Allele origin: germline. Affected: yes.
Comment: This variant is classified as Pathogenic. Evidence in support of pathogenic classification: Variant is predicted to cause nonsense-mediated decay (NMD) and loss of protein (premature termination codon is located at least 54 nucleotides upstream of the final exon-exon junction); Variant is absent from gnomAD (v2, v3 and v4); Other NMD-predicted variant(s) comparable to the one identified in this case have very strong previous evidence for pathogenicity (DECIPHER); Additional information: This variant is heterozygous; This gene is associated with autosomal dominant disease; This variant has no previous evidence of pathogenicity; No published evidence of segregation with disease has been identified for this variant; No published functional evidence has been identified for this variant; Loss of function is a known mechanism of disease in this gene and is associated with developmental delay with or without intellectual impairment or behavioural abnormalities (MIM#619575); Variants in this gene are known to have variable expressivity. There have been reports of affected individuals inheriting variants from mildly affected parents (OMIM).

NM_020791.4(TAOK1):c.1762C>T (p.Gln588Ter)

Gene: TAOK1 (TAO kinase 1; plus strand). Cytogenetic location: 17q11.2.
Variant type: single nucleotide variant.
Coding change: c.1762C>T on transcript NM_020791.4 (MANE Select); coding-DNA position 1762, C replaced by T.
Protein change: p.Gln588Ter; replaces glutamine 588 with a stop codon.
Molecular consequence: nonsense. On other transcripts: intron variant (1).
Genome position (GRCh38, 1-based): chr17:29,517,510, C>T. VCF-style: chr17-29517510-C-T. GRCh37 (hg19) VCF-style: chr17-27844528-C-T.
Other names: c.1704+6518C>T (NM_025142.1); short protein forms Q588*.
Identifiers: ClinVar variation 4879647 (VCV004879647.1).